The following is an entry in ClinVar:

NM_001003800.2(BICD2):c.1766G>A (p.Gly589Glu)

Gene: BICD2 (BICD cargo adaptor 2; minus strand). Cytogenetic location: 9q22.31.
Variant type: single nucleotide variant.
Coding change: c.1766G>A on transcript NM_001003800.2 (MANE Select); coding-DNA position 1766, G replaced by A.
Protein change: p.Gly589Glu; replaces glycine 589 with glutamic acid.
Molecular consequence: missense variant.
Genome position (GRCh38, 1-based): chr9:92,718,879, C>T on the plus strand (G>A on the coding strand, the complement: BICD2 is on the minus strand). VCF-style: chr9-92718879-C-T. GRCh37 (hg19) VCF-style: chr9-95481161-C-T.
Other names: c.1766G>A, p.Gly589Glu (NM_015250.4); short protein forms G589E.
Identifiers: ClinVar variation 1985700 (VCV001985700.4), dbSNP rs1198798486, ClinGen allele CA374035974.
Genomic context (GRCh38, chr9:92,718,879, plus strand): 5'-GGCGAGGGGCTGCTGTCCCCCGTCCCACCATCTGCTCGGCCCGCCTCAGGAGCCAGCAGC[C>T]CCTTGGGTAGGAGGATGGGTGAGCGCCGGCCACGCGCCTCGGGGCTGGTGCGGCCCCCGG-3'
Protein context (NP_001003800.1, residues 579-599): GRRSPILLPK[Gly589Glu]LLAPEAGRAD

ClinVar aggregate classification (germline): Uncertain significance (1 of 4 stars; one submission).

Conditions:
Autosomal dominant childhood-onset proximal spinal muscular atrophy with contractures (SMALED2A). Also called: SPINAL MUSCULAR ATROPHY, LOWER EXTREMITY-PREDOMINANT, 2A, CHILDHOOD ONSET, AUTOSOMAL DOMINANT; Spinal muscular atrophy, lower extremity-predominant, 2A, autosomal dominant. Identifiers: Orphanet 363447, Orphanet 363454, MedGen C4747715, MONDO:0014121, OMIM 615290.

Allele frequency attached by ClinVar (database versions not stated): TOPMed below 0.00001; gnomAD exomes 0.00001.

Submission:

Labcorp Genetics (formerly Invitae), Labcorp
Classification: Uncertain significance for Autosomal dominant childhood-onset proximal spinal muscular atrophy with contractures. Last evaluated: 2024-10-24. Review status: criteria provided, single submitter. Criteria: Invitae Variant Classification Sherloc (09022015). Collection method: clinical testing. Allele origin: germline.
Comment: This sequence change replaces glycine, which is neutral and non-polar, with glutamic acid, which is acidic and polar, at codon 589 of the BICD2 protein (p.Gly589Glu). The frequency data for this variant in the population databases is considered unreliable, as metrics indicate poor data quality at this position in the gnomAD database. This variant has not been reported in the literature in individuals affected with BICD2-related conditions. ClinVar contains an entry for this variant (Variation ID: 1985700). Invitae Evidence Modeling of protein sequence and biophysical properties (such as structural, functional, and spatial information, amino acid conservation, physicochemical variation, residue mobility, and thermodynamic stability) indicates that this missense variant is not expected to disrupt BICD2 protein function with a negative predictive value of 80%. In summary, the available evidence is currently insufficient to determine the role of this variant in disease. Therefore, it has been classified as a Variant of Uncertain Significance.